The following is an entry in ClinVar:

NM_004444.5(EPHB4):c.153A>C (p.Glu51Asp)

Gene: EPHB4 (EPH receptor B4; minus strand). Cytogenetic location: 7q22.1.
Variant type: single nucleotide variant.
Coding change: c.153A>C on transcript NM_004444.5 (MANE Select); coding-DNA position 153, A replaced by C.
Protein change: p.Glu51Asp; replaces glutamic acid 51 with aspartic acid.
Molecular consequence: missense variant.
Genome position (GRCh38, 1-based): chr7:100,823,902, T>G on the plus strand (A>C on the coding strand, the complement: EPHB4 is on the minus strand). VCF-style: chr7-100823902-T-G. GRCh37 (hg19) VCF-style: chr7-100421524-T-G.
Other names: short protein forms E51D.
Identifiers: ClinVar variation 4249958 (VCV004249958.1).

ClinVar aggregate classification (germline): Uncertain significance (1 of 4 stars; one submission).

Conditions:
Cardiovascular phenotype. Identifiers: MedGen CN230736.

Submission:

Ambry Genetics
Classification: Uncertain significance for Cardiovascular phenotype. Last evaluated: 2025-07-09. Review status: criteria provided, single submitter. Criteria: Ambry Variant Classification Scheme 2023. Collection method: clinical testing. Allele origin: germline.
Comment: The p.E51D variant (also known as c.153A>C), located in coding exon 3 of the EPHB4 gene, results from an A to C substitution at nucleotide position 153. The glutamic acid at codon 51 is replaced by aspartic acid, an amino acid with highly similar properties. This amino acid position is conserved. In addition, this alteration is predicted to be tolerated by in silico analysis. Based on the available evidence, the clinical significance of this variant remains unclear.